The following is an entry in ClinVar:

ClinVar aggregate classification (germline): Benign (1 of 4 stars; one submission).

Conditions:
Papillary renal cell carcinoma type 1 (RCCP1). Also called: Renal adenocarcinoma; Renal cell carcinoma 1; Renal cell carcinoma, somatic; RENAL CELL CARCINOMA, PAPILLARY, 1, SOMATIC. Identifiers: Orphanet 47044, MedGen C1336839, OMIM 605074, HP:0011797.

Submission:

Myriad Genetics, Inc.
Classification: Benign for Papillary renal cell carcinoma type 1. Last evaluated: 2024-11-11. Review status: criteria provided, single submitter. Criteria: Myriad Autosomal Dominant, Autosomal Recessive and X-Linked Classification Criteria (2023). Collection method: clinical testing. Allele origin: unknown.
Comment: This variant is considered benign. This variant is a silent/synonymous amino acid change and it is not expected to impact splicing.

NM_000245.4(MET):c.2394A>T (p.Ile798=)

Gene: MET (MET proto-oncogene, receptor tyrosine kinase; plus strand). Cytogenetic location: 7q31.2.
Variant type: single nucleotide variant.
Coding change: c.2394A>T on transcript NM_000245.4 (MANE Select); coding-DNA position 2394, A replaced by T.
Protein change: p.Ile798=; no amino-acid change (isoleucine 798 retained).
Molecular consequence: synonymous variant.
Genome position (GRCh38, 1-based): chr7:116,763,079, A>T. VCF-style: chr7-116763079-A-T. GRCh37 (hg19) VCF-style: chr7-116403133-A-T.
Other names: c.2448A>T, p.Ile816= (NM_001127500.3); c.2394A>T, p.Ile798= (NM_001324401.3); c.1104A>T, p.Ile368= (NM_001324402.2).
Identifiers: ClinVar variation 3773302 (VCV003773302.1).
Genomic context (GRCh38, chr7:116,763,079, plus strand): 5'-GTTTACAGTGGATAATTGTGTCTTTCTCTAGGCATGTCAACATCGCTCTAATTCAGAGAT[A>T]ATCTGTTGTACCACTCCTTCCCTGCAACAGCTGAATCTGCAACTCCCCCTGAAAACCAAA-3'
Protein context (NP_000236.2, residues 788-808): VACQHRSNSE[Ile798=]ICCTTPSLQQ